The following is an entry in ClinVar:

ClinVar aggregate classification (germline): Uncertain significance (1 of 4 stars; one submission).

Conditions:
Fanconi anemia complementation group O. Also called: RAD51C-Related Fanconi Anemia. Identifiers: Orphanet 84, MedGen C3150653, MONDO:0013248, OMIM 613390.

Submission:

Labcorp Genetics (formerly Invitae), Labcorp
Classification: Uncertain significance for Fanconi anemia complementation group O. Last evaluated: 2021-11-29. Review status: criteria provided, single submitter. Criteria: Invitae Variant Classification Sherloc (09022015). Collection method: clinical testing. Allele origin: germline.
Comment: In summary, the available evidence is currently insufficient to determine the role of this variant in disease. Therefore, it has been classified as a Variant of Uncertain Significance. Algorithms developed to predict the effect of missense changes on protein structure and function output the following: SIFT: "Tolerated"; PolyPhen-2: "Benign"; Align-GVGD: "Class C0". The glutamic acid amino acid residue is found in multiple mammalian species, which suggests that this missense change does not adversely affect protein function. This variant has not been reported in the literature in individuals affected with RAD51C-related conditions. This variant is not present in population databases (gnomAD no frequency). This sequence change replaces aspartic acid, which is acidic and polar, with glutamic acid, which is acidic and polar, at codon 371 of the RAD51C protein (p.Asp371Glu).

NM_058216.3(RAD51C):c.1113C>G (p.Asp371Glu)

Gene: RAD51C (RAD51 paralog C; plus strand). Cytogenetic location: 17q22.
Variant type: single nucleotide variant.
Coding change: c.1113C>G on transcript NM_058216.3 (MANE Select); coding-DNA position 1113, C replaced by G.
Protein change: p.Asp371Glu; replaces aspartic acid 371 with glutamic acid.
Molecular consequence: missense variant. On other transcripts: non-coding transcript variant (1).
Genome position (GRCh38, 1-based): chr17:58,734,204, C>G. VCF-style: chr17-58734204-C-G. GRCh37 (hg19) VCF-style: chr17-56811565-C-G.
Other names: short protein forms D371E.
Identifiers: ClinVar variation 1395692 (VCV001395692.6), dbSNP rs1598540411, ClinGen allele CA400366579.
Genomic context (GRCh38, chr17:58,734,204, plus strand): 5'-TACTTCTGCATGTTCATTGCAAACAGAAGGTTCCTTGAGCACCCGGAAACGGTCACGAGA[C>G]CCAGAGGAAGAATTATAACCCAGAAACAAATCTCAAAGTGTACAAATTTATTGATGTTGT-3'
Protein context (NP_478123.1, residues 361-376): GSLSTRKRSR[Asp371Glu]PEEEL